The following is an entry in ClinVar:

ClinVar aggregate classification (germline): Uncertain significance (1 of 4 stars; one submission).

Conditions:
ALDH18A1-related disorder. Also called: ALDH18A1-related disorders.

Allele frequency attached by ClinVar (database versions not stated): gnomAD exomes below 0.00001; TOPMed below 0.00001.
gnomAD v4.1: 7 of 1,614,230 alleles (0.00043%); highest among the groups gnomAD compares: Non-Finnish European, 0.00051%; no homozygotes.

Submission:

PreventionGenetics, part of Exact Sciences
Classification: Uncertain significance for ALDH18A1-related condition. Last evaluated: 2023-01-31. Review status: criteria provided, single submitter. Criteria: ACMG Guidelines, 2015. Collection method: clinical testing. Allele origin: germline.
Comment: The ALDH18A1 c.445A>G variant is predicted to result in the amino acid substitution p.Lys149Glu. To our knowledge, this variant has not been reported in the literature or in a large population database, indicating this variant is rare. At this time, the clinical significance of this variant is uncertain due to the absence of conclusive functional and genetic evidence.

NM_002860.4(ALDH18A1):c.445A>G (p.Lys149Glu)

Gene: ALDH18A1 (aldehyde dehydrogenase 18 family member A1; minus strand). Cytogenetic location: 10q24.1.
Variant type: single nucleotide variant.
Coding change: c.445A>G on transcript NM_002860.4 (MANE Select); coding-DNA position 445, A replaced by G.
Protein change: p.Lys149Glu; replaces lysine 149 with glutamic acid.
Molecular consequence: missense variant. On other transcripts: intron variant (1).
Genome position (GRCh38, 1-based): chr10:95,637,295, T>C on the plus strand (A>G on the coding strand, the complement: ALDH18A1 is on the minus strand). VCF-style: chr10-95637295-T-C. GRCh37 (hg19) VCF-style: chr10-97397052-T-C.
Other names: c.445A>G, p.Lys149Glu (NM_001017423.2, NM_001323413.2, NM_001323414.2 and 2 more transcripts); c.112A>G, p.Lys38Glu (NM_001323412.2, NM_001323416.2, NM_001323418.2); c.-78-3646A>G (NM_001323419.2); short protein forms K149E, K38E.
Identifiers: ClinVar variation 2630366 (VCV002630366.1), dbSNP rs2097882629, ClinGen allele CA377706609.